The following is an entry in ClinVar:

NM_005732.4(RAD50):c.587G>A (p.Arg196His)

Gene: RAD50 (RAD50 double strand break repair protein; plus strand). Cytogenetic location: 5q31.1.
Variant type: single nucleotide variant.
Coding change: c.587G>A on transcript NM_005732.4 (MANE Select); coding-DNA position 587, G replaced by A.
Protein change: p.Arg196His; replaces arginine 196 with histidine.
Molecular consequence: missense variant.
Genome position (GRCh38, 1-based): chr5:132,579,897, G>A. VCF-style: chr5-132579897-G-A. GRCh37 (hg19) VCF-style: chr5-131915589-G-A.
Other names: short protein forms R196H.
Identifiers: ClinVar variation 457480 (VCV000457480.15), dbSNP rs764784659, ClinGen allele CA127237798.

ClinVar aggregate classification (germline): Uncertain significance. Review status: criteria provided, multiple submitters, no conflicts (2 of 4 stars). 4 submissions from 4 submitters: Uncertain significance (4). Last evaluated 2025-05-05.

Conditions:
Hereditary cancer-predisposing syndrome. Also called: Neoplastic Syndromes, Hereditary; Tumor predisposition; Hereditary Cancer Syndrome; Hereditary neoplastic syndrome. Identifiers: Orphanet 140162, MedGen C0027672, MeSH D009386, MONDO:0015356.
Familial cancer of breast. Also called: hereditary breast carcinoma; Hereditary breast cancer; BREAST CANCER, FAMILIAL. Identifiers: Orphanet 227535, MedGen C0346153, MONDO:0016419, OMIM 114480. Disease mechanism: loss of function.

Allele frequency attached by ClinVar (database versions not stated): TOPMed below 0.00001; gnomAD exomes 0.00001.

Submissions (4):

Labcorp Genetics (formerly Invitae), Labcorp
Classification: Uncertain significance for Hereditary cancer-predisposing syndrome. Last evaluated: 2025-05-05. Review status: criteria provided, single submitter. Criteria: Invitae Variant Classification Sherloc (09022015). Collection method: clinical testing. Allele origin: germline.
Comment: This sequence change replaces arginine, which is basic and polar, with histidine, which is basic and polar, at codon 196 of the RAD50 protein (p.Arg196His). The frequency data for this variant in the population databases is considered unreliable, as metrics indicate poor data quality at this position in the gnomAD database. This variant has not been reported in the literature in individuals affected with RAD50-related conditions. ClinVar contains an entry for this variant (Variation ID: 457480). Invitae Evidence Modeling of protein sequence and biophysical properties (such as structural, functional, and spatial information, amino acid conservation, physicochemical variation, residue mobility, and thermodynamic stability) has been performed for this missense variant. However, the output from this modeling did not meet the statistical confidence thresholds required to predict the impact of this variant on RAD50 protein function. In summary, the available evidence is currently insufficient to determine the role of this variant in disease. Therefore, it has been classified as a Variant of Uncertain Significance.

KCCC/NGS Laboratory, Kuwait Cancer Control Center
Classification: Uncertain significance for Familial cancer of breast. Last evaluated: 2023-10-24. Review status: criteria provided, single submitter. Criteria: ACMG Guidelines, 2015. Collection method: clinical testing. Allele origin: germline. Inheritance: Autosomal dominant inheritance. Affected: yes. Observed: 1 heterozygote.
Comment: This sequence change replaces arginine, which is basic and polar, with histidine, which is basic and polar, at codon 196 of the RAD50 protein (p.Arg196His). The frequency data for this variant in the population databases is considered unreliable, as metrics indicate poor data quality at this position in the gnomAD database. This alteration has been reported in 1/1197 individuals from Greece, Romania, and Turkey undergoing evaluation for inherited cancer predisposition. (Tsaousis GN et al. BMC Cancer, 2019 Jun;19:535). ClinVar contains an entry for this variant (Variation ID: 457480). This amino acid position is highly conserved (PhyloP=9.4) . In addition, the in silico prediction for this alteration is inconclusive. In summary, the available evidence is currently insufficient to determine the role of this variant in disease. Therefore, it has been classified as a Variant of Uncertain Significance.

Ambry Genetics
Classification: Uncertain significance for Hereditary cancer-predisposing syndrome. Last evaluated: 2022-09-26. Review status: criteria provided, single submitter. Criteria: Ambry Variant Classification Scheme 2023. Collection method: clinical testing. Allele origin: germline.
Comment: The p.R196H variant (also known as c.587G>A), located in coding exon 5 of the RAD50 gene, results from a G to A substitution at nucleotide position 587. The arginine at codon 196 is replaced by histidine, an amino acid with highly similar properties. This alteration has been reported in 1/1197 individuals from Greece, Romania, and Turkey undergoing evaluation for inherited cancer predisposition. (Tsaousis GN et al. BMC Cancer, 2019 Jun;19:535).This amino acid position is highly conserved in available vertebrate species. In addition, the in silico prediction for this alteration is inconclusive. Since supporting evidence is limited at this time, the clinical significance of this alteration remains unclear.

GeneKor MSA
Classification: Uncertain significance for Hereditary cancer-predisposing syndrome. Last evaluated: 2018-08-01. Review status: criteria provided, single submitter. Criteria: ACMG Guidelines, 2015. Collection method: clinical testing. Allele origin: germline. Affected: no.

Literature cited by the submitters: PubMed 31159747 (cited by Ambry Genetics).